The following is an entry in ClinVar:

ClinVar aggregate classification (germline): Uncertain significance (1 of 4 stars; one submission).

Submission:

Women's Health and Genetics/Laboratory Corporation of America, LabCorp
Classification: Uncertain significance. Last evaluated: 2024-12-11. Review status: criteria provided, single submitter. Criteria: LabCorp Variant Classification Summary - May 2015. Collection method: clinical testing. Allele origin: germline.
Comment: Variant summary: PCNT c.3312+195_3313-1202del is located in intron 16, at a position not widely known to affect splicing. Consensus agreement among computation tools predict no significant impact on normal splicing. However, these predictions have yet to be confirmed by functional studies. Similar sized deletion variants were absent in 108784 control chromosomes in the gnomAD database (Structural Variants v4.1 dataset). However, several overlapping smaller deletions and duplications are annotated within intron 16 of the PCNT gene, with high frequencies among control individuals (including homozygotes), suggesting that similar deletion variants may be benign polymorphisms. To our knowledge, no occurrence of c.3312+195_3313-1202del in individuals affected with Microcephalic Osteodysplastic Primordial Dwarfism Type II and no experimental evidence demonstrating its impact on protein function have been reported. No submitters have cited clinical-significance assessments for this variant to ClinVar. Based on the evidence outlined above, the variant was classified as VUS-possibly benign.

NM_006031.6(PCNT):c.3312+195_3313-1202del

Gene: PCNT (pericentrin; plus strand). Cytogenetic location: 21q22.3.
Variant type: Deletion.
Coding change: c.3312+195_3313-1202del on transcript NM_006031.6 (MANE Select); 195 bases into the intron after coding-DNA position 3312 through 1202 bases into the intron before coding-DNA position 3313, 2,596 bases deleted.
Molecular consequence: intron variant.
Genome position (GRCh38, 1-based): chr21:46,382,035-46,384,630, 2,596 bases deleted. GRCh37 (hg19): chr21:47,801,950-47,804,545.
Other names: c.2958+195_2959-1202del (NM_001315529.2).
Identifiers: ClinVar variation 3768115 (VCV003768115.1).